The following is an entry in ClinVar:

ClinVar aggregate classification (germline): Uncertain significance. Review status: criteria provided, multiple submitters, no conflicts (2 of 4 stars). 2 submissions from 2 submitters: Uncertain significance (2). Last evaluated 2025-06-25.

Conditions:
BAAT-related disorder. Also called: BAAT-related condition.

gnomAD v4.1: 29 of 1,613,200 alleles (0.0018%); highest among the groups gnomAD compares: Middle Eastern, 0.017%; no homozygotes.

Submissions (2):

PreventionGenetics, part of Exact Sciences
Classification: Uncertain significance for BAAT-related condition. Last evaluated: 2025-06-25. Review status: criteria provided, single submitter. Criteria: ACMG Guidelines, 2015. Collection method: clinical testing. Allele origin: germline.
Comment: The BAAT c.158A>G variant is predicted to result in the amino acid substitution p.Asn53Ser. To our knowledge, this variant has not been reported in the literature. This variant is reported in 0.0065% of alleles in individuals of South Asian descent in gnomAD. At this time, the clinical significance of this variant is uncertain due to the absence of conclusive functional and genetic evidence.

Ambry Genetics
Classification: Uncertain significance. Last evaluated: 2025-03-05. Review status: criteria provided, single submitter. Criteria: Ambry Variant Classification Scheme 2023. Collection method: clinical testing. Allele origin: germline.

NM_001701.4(BAAT):c.158A>G (p.Asn53Ser)

Gene: BAAT (bile acid-CoA:amino acid N-acyltransferase; minus strand). Cytogenetic location: 9q31.1.
Variant type: single nucleotide variant.
Coding change: c.158A>G on transcript NM_001701.4 (MANE Select); coding-DNA position 158, A replaced by G.
Protein change: p.Asn53Ser; replaces asparagine 53 with serine.
Molecular consequence: missense variant.
Genome position (GRCh38, 1-based): chr9:101,371,247, T>C on the plus strand (A>G on the coding strand, the complement: BAAT is on the minus strand). VCF-style: chr9-101371247-T-C. GRCh37 (hg19) VCF-style: chr9-104133529-T-C.
Other names: c.158A>G, p.Asn53Ser (NM_001127610.2, NM_001374715.1); short protein forms N53S.
Identifiers: ClinVar variation 3816601 (VCV003816601.2).